The following is an entry in ClinVar:

ClinVar aggregate classification (germline): Uncertain significance (1 of 4 stars; one submission).

Conditions:
O'Donnell-Luria-Rodan syndrome (ODLURO). Also called: KMT2E-Related Neurodevelopmental Disorder. Identifiers: MedGen C5193138, MONDO:0032793, OMIM 618512.

gnomAD v4.1: 1 of 1,609,644 alleles (0.000062%); no homozygotes.

Submission:

Neuberg Centre For Genomic Medicine, NCGM
Classification: Uncertain significance for O'Donnell-Luria-Rodan syndrome. Last evaluated: 2023-05-20. Review status: criteria provided, single submitter. Criteria: ACMG Guidelines, 2015. Collection method: clinical testing. Allele origin: germline. Inheritance: Autosomal dominant inheritance. Affected: yes.
Comment: The observed missense c.2963C>T(p.Thr988Ile) variant in KMT2E gene has not been reported previously as a pathogenic variant nor as a benign variant, to our knowledge. The p.Thr988Ile variant is absent in gnomAD Exomes. This variant has not been reported to the ClinVar database. Multiple lines of computational evidence (Polyphen - possibly damaging , SIFT - damaging and MutationTaster -disease causing) predict a damaging effect on protein structure and function for this variant. The amino acid change p.Thr988Ile in KMT2E is predicted as conserved by GERP++ and PhyloP across 100 vertebrates. The amino acid Thr at position 988 is changed to a Ile changing protein sequence and it might alter its composition and physico-chemical properties. For these reasons, this variant has been classified as Variant of Uncertain Significance (VUS).

NM_182931.3(KMT2E):c.2963C>T (p.Thr988Ile)

Gene: KMT2E (lysine methyltransferase 2E (inactive); plus strand). Cytogenetic location: 7q22.3.
Variant type: single nucleotide variant.
Coding change: c.2963C>T on transcript NM_182931.3 (MANE Select); coding-DNA position 2963, C replaced by T.
Protein change: p.Thr988Ile; replaces threonine 988 with isoleucine.
Molecular consequence: missense variant.
Genome position (GRCh38, 1-based): chr7:105,107,420, C>T. VCF-style: chr7-105107420-C-T. GRCh37 (hg19) VCF-style: chr7-104747867-C-T.
Other names: c.2963C>T, p.Thr988Ile (NM_001410908.1, NM_018682.4); short protein forms T988I.
Identifiers: ClinVar variation 3341459 (VCV003341459.1).